The following is an entry in ClinVar:

ClinVar aggregate classification (germline): Uncertain significance. Review status: criteria provided, multiple submitters, no conflicts (2 of 4 stars). 5 submissions from 5 submitters: Uncertain significance (5). Last evaluated 2025-06-06.

Conditions:
TTN-related disorder. Also called: TTN-related condition; TTN-related disease; TTN-related disorders.
Hypertrophic cardiomyopathy 9. Also called: Familial hypertrophic cardiomyopathy 9. Identifiers: MedGen C1861065, MONDO:0013412, OMIM 613765.
Myopathy, myofibrillar, 9, with early respiratory failure (MFM9). Also called: Hereditary myopathy with early respiratory failure; MYOPATHY, PROXIMAL, WITH EARLY RESPIRATORY MUSCLE INVOLVEMENT; EDSTROM MYOPATHY; Myopathy, distal, with early respiratory failure, autosomal dominant. Identifiers: Orphanet 178464, Orphanet 34521, MedGen C1863599, MONDO:0011362, OMIM 603689.
Tibial muscular dystrophy (TMD). Also called: Udd Distal Myopathy – Tibial Muscular Dystrophy; UDD MYOPATHY; Tibial muscular dystrophy, tardive. Identifiers: Orphanet 609, MedGen C1838244, MONDO:0010870, OMIM 600334.
Autosomal recessive limb-girdle muscular dystrophy type 2J (LGMDR10). Also called: Limb-girdle muscular dystrophy, type 2J; MUSCULAR DYSTROPHY, LIMB-GIRDLE, AUTOSOMAL RECESSIVE 10. Identifiers: Orphanet 140922, MedGen C1837342, MONDO:0012127, OMIM 608807.
Dilated cardiomyopathy 1G (CMD1G). Identifiers: Orphanet 154, MedGen C1858763, MONDO:0011400, OMIM 604145.
Early-onset myopathy with fatal cardiomyopathy (CMYO5). Also called: Salih Myopathy; CONGENITAL MYOPATHY 5 WITH CARDIOMYOPATHY. Identifiers: Orphanet 289377, MedGen C2673677, MONDO:0012714, OMIM 611705. Disease mechanism: loss of function.

Allele frequency attached by ClinVar (database versions not stated): gnomAD exomes below 0.00001 and 0.00005; TOPMed 0.00001; gnomAD 0.00002; ESP Exome Variant Server 0.00008.
gnomAD v4.1: 71 of 1,613,558 alleles (0.0044%); highest among the groups gnomAD compares: Non-Finnish European, 0.0058%; no homozygotes.

Submissions (5):

PreventionGenetics, part of Exact Sciences
Classification: Uncertain significance for TTN-related condition. Last evaluated: 2025-06-06. Review status: criteria provided, single submitter. Criteria: ACMG Guidelines, 2015. Collection method: clinical testing. Allele origin: germline.
Comment: The TTN c.85477A>G variant is predicted to result in the amino acid substitution p.Thr28493Ala. To our knowledge, this variant has not been reported in the literature. This variant is reported in 0.00089% of alleles in individuals of European (Non-Finnish) descent in gnomAD. At this time, the clinical significance of this variant is uncertain due to the absence of conclusive functional and genetic evidence.

GeneDx
Classification: Uncertain significance. Last evaluated: 2024-01-19. Review status: criteria provided, single submitter. Criteria: GeneDx Variant Classification Process June 2021. Collection method: clinical testing. Allele origin: germline. Affected: yes.
Comment: Not observed at significant frequency in large population cohorts (gnomAD); Missense variant in a gene in which most reported pathogenic variants are truncating/loss of function; Has not been previously published as pathogenic or benign to our knowledge

Fulgent Genetics
Classification: Uncertain significance for Tibial muscular dystrophy; Myopathy, myofibrillar, 9, with early respiratory failure; Dilated cardiomyopathy 1G; Autosomal recessive limb-girdle muscular dystrophy type 2J; Early-onset myopathy with fatal cardiomyopathy; Hypertrophic cardiomyopathy 9. Last evaluated: 2022-04-07. Review status: criteria provided, single submitter. Criteria: ACMG Guidelines, 2015. Collection method: clinical testing. Allele origin: unknown.

Revvity Omics, Revvity
Classification: Uncertain significance. Last evaluated: 2021-02-12. Review status: criteria provided, single submitter. Criteria: ACMG Guidelines, 2015. Collection method: clinical testing. Allele origin: germline.

Athena Diagnostics
Classification: Uncertain significance. Last evaluated: 2019-12-31. Review status: criteria provided, single submitter. Criteria: Athena Diagnostics Criteria. Collection method: clinical testing. Allele origin: unknown.

NM_001267550.2(TTN):c.85477A>G (p.Thr28493Ala)

Genes: TTN (titin; minus strand), TTN-AS1 (TTN antisense RNA 1; plus strand). Cytogenetic location: 2q31.2.
Variant type: single nucleotide variant.
Coding change: c.85477A>G on transcript NM_001267550.2 (MANE Select); coding-DNA position 85477, A replaced by G.
Protein change: p.Thr28493Ala; replaces threonine 28493 with alanine.
Molecular consequence: missense variant.
Genome position (GRCh38, 1-based): chr2:178,560,655, T>C on the plus strand (A>G on the coding strand, the complement: TTN is on the minus strand). VCF-style: chr2-178560655-T-C. GRCh37 (hg19) VCF-style: chr2-179425382-T-C.
Other names: c.85477A>G (LRG_391t1); c.80554A>G, p.Thr26852Ala (NM_001256850.1); c.58282A>G, p.Thr19428Ala (NM_003319.4); c.77773A>G, p.Thr25925Ala (NM_133378.4); c.58657A>G, p.Thr19553Ala (NM_133432.3); c.58858A>G, p.Thr19620Ala (NM_133437.4); short protein forms T28493A, T19428A, T25925A, T19553A, T19620A, T26852A.
Identifiers: ClinVar variation 448822 (VCV000448822.8), dbSNP rs369907507, ClinGen allele CA60984661.